The following is an entry in ClinVar:

NM_001367561.1(DOCK7):c.4438A>C (p.Asn1480His)

Gene: DOCK7 (dedicator of cytokinesis 7; minus strand). Cytogenetic location: 1p31.3.
Variant type: single nucleotide variant.
Coding change: c.4438A>C on transcript NM_001367561.1 (MANE Select); coding-DNA position 4438, A replaced by C.
Protein change: p.Asn1480His; replaces asparagine 1480 with histidine.
Molecular consequence: missense variant.
Genome position (GRCh38, 1-based): chr1:62,508,000, T>G on the plus strand (A>C on the coding strand, the complement: DOCK7 is on the minus strand). VCF-style: chr1-62508000-T-G. GRCh37 (hg19) VCF-style: chr1-62973671-T-G.
Other names: c.4411A>C, p.Asn1471His (NM_001271999.2, NM_001330614.2); c.4318A>C, p.Asn1440His (NM_001272000.2, NM_001272001.2); c.4345A>C, p.Asn1449His (NM_033407.4); short protein forms N1440H, N1471H, N1449H, N1480H.
Identifiers: ClinVar variation 1471054 (VCV001471054.4), dbSNP rs758194409, ClinGen allele CA885699.

ClinVar aggregate classification (germline): Uncertain significance (1 of 4 stars; one submission).

Conditions:
Developmental and epileptic encephalopathy, 23 (DEE23). Also called: Epileptic encephalopathy, early infantile, 23. Identifiers: Orphanet 411986, MedGen C4014492, MONDO:0014371, OMIM 615859.

Allele frequency attached by ClinVar (database versions not stated): TOPMed 0.00001; gnomAD exomes below 0.00001; ExAC 0.00001; gnomAD 0.00002.
gnomAD v4.1: 4 of 1,613,074 alleles (0.00025%); highest among the groups gnomAD compares: African/African-American, 0.004%; no homozygotes.

Submission:

Labcorp Genetics (formerly Invitae), Labcorp
Classification: Uncertain significance for Developmental and epileptic encephalopathy, 23. Last evaluated: 2022-11-22. Review status: criteria provided, single submitter. Criteria: Invitae Variant Classification Sherloc (09022015). Collection method: clinical testing. Allele origin: germline.
Comment: In summary, the available evidence is currently insufficient to determine the role of this variant in disease. Therefore, it has been classified as a Variant of Uncertain Significance. Algorithms developed to predict the effect of missense changes on protein structure and function are either unavailable or do not agree on the potential impact of this missense change (SIFT: "Tolerated"; PolyPhen-2: "Possibly Damaging"; Align-GVGD: "Class C0"). ClinVar contains an entry for this variant (Variation ID: 1471054). This variant has not been reported in the literature in individuals affected with DOCK7-related conditions. This variant is present in population databases (rs758194409, gnomAD 0.007%). This sequence change replaces asparagine, which is neutral and polar, with histidine, which is basic and polar, at codon 1471 of the DOCK7 protein (p.Asn1471His).